The following is an entry in ClinVar:

ClinVar aggregate classification (germline): Uncertain significance (1 of 4 stars; one submission).

Allele frequency attached by ClinVar (database versions not stated): gnomAD exomes below 0.00001.
gnomAD v4.1: 6 of 1,614,128 alleles (0.00037%); highest among the groups gnomAD compares: Middle Eastern, 0.017%; no homozygotes.

Submission:

Labcorp Genetics (formerly Invitae), Labcorp
Classification: Uncertain significance. Last evaluated: 2024-02-17. Review status: criteria provided, single submitter. Criteria: Invitae Variant Classification Sherloc (09022015). Collection method: clinical testing. Allele origin: germline.
Comment: This sequence change replaces threonine, which is neutral and polar, with isoleucine, which is neutral and non-polar, at codon 29 of the WISP3 protein (p.Thr29Ile). This variant is present in population databases (no rsID available, gnomAD 0.0009%). This variant has not been reported in the literature in individuals affected with WISP3-related conditions. ClinVar contains an entry for this variant (Variation ID: 1680456). An algorithm developed to predict the effect of missense changes on protein structure and function (PolyPhen-2) suggests that this variant is likely to be tolerated. In summary, the available evidence is currently insufficient to determine the role of this variant in disease. Therefore, it has been classified as a Variant of Uncertain Significance.

NM_198239.2(CCN6):c.86C>T (p.Thr29Ile)

Gene: CCN6 (cellular communication network factor 6; plus strand). Cytogenetic location: 6q21.
Variant type: single nucleotide variant.
Coding change: c.86C>T on transcript NM_198239.2 (MANE Select); coding-DNA position 86, C replaced by T.
Protein change: p.Thr29Ile; replaces threonine 29 with isoleucine.
Molecular consequence: missense variant. On other transcripts: non-coding transcript variant (2).
Genome position (GRCh38, 1-based): chr6:112,061,028, C>T. VCF-style: chr6-112061028-C-T. GRCh37 (hg19) VCF-style: chr6-112382231-C-T.
Other names: c.86C>T, p.Thr29Ile (NM_003880.4); short protein forms T29I.
Identifiers: ClinVar variation 1680456 (VCV001680456.5), dbSNP rs1554312699, ClinGen allele CA365368062.